The following is an entry in ClinVar:

NM_001161352.2(KCNMA1):c.2589G>A (p.Pro863=)

Genes: KCNMA1 (potassium calcium-activated channel subfamily M alpha 1; minus strand), KCNMA1-AS1 (KCNMA1 antisense RNA 1; plus strand). Cytogenetic location: 10q22.3.
Variant type: single nucleotide variant.
Coding change: c.2589G>A on transcript NM_001161352.2 (MANE Select); coding-DNA position 2589, G replaced by A.
Protein change: p.Pro863=; no amino-acid change (proline 863 retained).
Molecular consequence: synonymous variant.
Genome position (GRCh38, 1-based): chr10:76,949,262, C>T on the plus strand (G>A on the coding strand, the complement: KCNMA1 is on the minus strand). VCF-style: chr10-76949262-C-T. GRCh37 (hg19) VCF-style: chr10-78709020-C-T.
Other names: c.2427G>A, p.Pro809= (NM_001014797.3, NM_001322835.2, NM_001322837.2); c.2538G>A, p.Pro846= (NM_001161353.2); c.2265G>A, p.Pro755= (NM_001271518.2); c.2424G>A, p.Pro808= (NM_001271519.2, NM_001322829.2, NM_001322836.2); c.2436G>A, p.Pro812= (NM_001322830.2); c.2415G>A, p.Pro805= (NM_001322832.2, NM_002247.4); c.1962G>A, p.Pro654= (NM_001322838.2).
Identifiers: ClinVar variation 1087081 (VCV001087081.14), dbSNP rs142004793, ClinGen allele CA5568033.

ClinVar aggregate classification (germline): Likely benign. Review status: criteria provided, multiple submitters, no conflicts (2 of 4 stars). 3 submissions from 3 submitters: Likely benign (3). Last evaluated 2026-04-01.

Conditions:
Generalized epilepsy-paroxysmal dyskinesia syndrome (PNKD3). Also called: Paroxysmal nonkinesigenic dyskinesia, 3, with or without generalized epilepsy; Generalized epilepsy and paroxysmal dyskinesia. Identifiers: Orphanet 79137, MedGen C5574945, MONDO:0012276, OMIM 609446.

Allele frequency attached by ClinVar (database versions not stated): gnomAD 0.00006 and 0.00007; ESP Exome Variant Server 0.00015.
gnomAD v4.1: 64 of 1,613,954 alleles (0.004%); highest among the groups gnomAD compares: East Asian, 0.038%; no homozygotes.

Submissions (3):

CeGaT Center for Human Genetics Tuebingen
Classification: Likely benign. Last evaluated: 2026-04-01. Review status: criteria provided, single submitter. Criteria: CeGaT Center For Human Genetics Tuebingen Variant Classification Criteria Version 2. Collection method: clinical testing. Allele origin: germline. Affected: yes. Observed: 2 variant alleles.
Comment: KCNMA1: BP4, BP7

Labcorp Genetics (formerly Invitae), Labcorp
Classification: Likely benign for Generalized epilepsy-paroxysmal dyskinesia syndrome. Last evaluated: 2025-12-10. Review status: criteria provided, single submitter. Criteria: Invitae Variant Classification Sherloc (09022015). Collection method: clinical testing. Allele origin: germline.

Blueprint Genetics
Classification: Likely benign. Last evaluated: 2023-10-30. Review status: criteria provided, single submitter. Criteria: ACMG Guidelines, 2015. Collection method: clinical testing. Allele origin: germline.